The following is an entry in ClinVar:

ClinVar aggregate classification (germline): Likely pathogenic (1 of 4 stars; one submission).

Conditions:
Congenital myotonia, autosomal dominant form (THD). Also called: THOMSEN DISEASE; Myotonia congenita autosomal dominant. Identifiers: Orphanet 614, MedGen C2936781, MONDO:0008055, OMIM 160800.
Congenital myotonia, autosomal recessive form. Also called: BECKER DISEASE; Becker Generalized Myotonia; myotonia congenita, autosomal recessive. Identifiers: Orphanet 614, MedGen C0751360, MONDO:0009715, OMIM 255700.

Allele frequency attached by ClinVar (database versions not stated): gnomAD exomes below 0.00001.
gnomAD v4.1: 2 of 1,614,218 alleles (0.00012%); highest among the groups gnomAD compares: South Asian, 0.0022%; no homozygotes.

Submission:

Labcorp Genetics (formerly Invitae), Labcorp
Classification: Likely pathogenic for Congenital myotonia, autosomal recessive form; Congenital myotonia, autosomal dominant form. Last evaluated: 2023-11-17. Review status: criteria provided, single submitter. Criteria: Invitae Variant Classification Sherloc (09022015). Collection method: clinical testing. Allele origin: germline.
Comment: This sequence change replaces isoleucine, which is neutral and non-polar, with phenylalanine, which is neutral and non-polar, at codon 556 of the CLCN1 protein (p.Ile556Phe). This variant is not present in population databases (gnomAD no frequency). This variant has not been reported in the literature in individuals affected with CLCN1-related conditions. Advanced modeling of protein sequence and biophysical properties (such as structural, functional, and spatial information, amino acid conservation, physicochemical variation, residue mobility, and thermodynamic stability) performed at Invitae indicates that this missense variant is expected to disrupt CLCN1 protein function with a positive predictive value of 95%. This variant disrupts the p.Ile556 amino acid residue in CLCN1. Other variant(s) that disrupt this residue have been determined to be pathogenic (PMID: 9566422, 9736777, 10051520, 19882638). This suggests that this residue is clinically significant, and that variants that disrupt this residue are likely to be disease-causing. In summary, the currently available evidence indicates that the variant is pathogenic, but additional data are needed to prove that conclusively. Therefore, this variant has been classified as Likely Pathogenic.

Literature cited by the submitters: PubMed 9566422; PubMed 9736777; PubMed 10051520; PubMed 19882638.

NM_000083.3(CLCN1):c.1666A>T (p.Ile556Phe)

Gene: CLCN1 (chloride voltage-gated channel 1; plus strand). Cytogenetic location: 7q34.
Variant type: single nucleotide variant.
Coding change: c.1666A>T on transcript NM_000083.3 (MANE Select); coding-DNA position 1666, A replaced by T.
Protein change: p.Ile556Phe; replaces isoleucine 556 with phenylalanine.
Molecular consequence: missense variant. On other transcripts: non-coding transcript variant (1).
Genome position (GRCh38, 1-based): chr7:143,342,012, A>T. VCF-style: chr7-143342012-A-T. GRCh37 (hg19) VCF-style: chr7-143039105-A-T.
Other names: short protein forms I556F.
Identifiers: ClinVar variation 2933970 (VCV002933970.3), dbSNP rs2487090280, ClinGen allele CA369646513.